The following is an entry in ClinVar:

NC_000016.9:g.(?_84179046)_(84211465_?)del

Genes: DNAAF1 (dynein axonemal assembly factor 1; plus strand), TAF1C (TATA-box binding protein associated factor, RNA polymerase I subunit C; minus strand). Cytogenetic location: 16q23.3-24.1.
Variant type: Deletion.
Identifiers: ClinVar variation 3243218 (VCV003243218.1).

ClinVar aggregate classification (germline): Pathogenic (1 of 4 stars; one submission).

Conditions:
Primary ciliary dyskinesia. Also called: Ciliary dyskinesia. Identifiers: Orphanet 244, MedGen C0008780, MONDO:0016575, HP:0012265.

Submission:

Labcorp Genetics (formerly Invitae), Labcorp
Classification: Pathogenic for Primary ciliary dyskinesia. Last evaluated: 2023-11-18. Review status: criteria provided, single submitter. Criteria: Invitae Variant Classification Sherloc (09022015). Collection method: clinical testing. Allele origin: unknown.
Comment: A gross deletion of the genomic region encompassing the full coding sequence of the DNAAF1 gene has been identified. Loss-of-function variants in DNAAF1 are known to be pathogenic (PMID: 19944400, 19944405). The boundaries of this event are unknown as they extend beyond the assayed region for this gene and therefore may encompass additional genes. This variant has not been reported in the literature in individuals affected with DNAAF1-related conditions. For these reasons, this variant has been classified as Pathogenic.

Literature cited by the submitters: PubMed 19944400; PubMed 19944405.